The following is an entry in ClinVar:

NM_177924.5(ASAH1):c.1085C>G (p.Pro362Arg)

Gene: ASAH1 (N-acylsphingosine amidohydrolase 1; minus strand). Cytogenetic location: 8p22.
Variant type: single nucleotide variant.
Coding change: c.1085C>G on transcript NM_177924.5 (MANE Select); coding-DNA position 1085, C replaced by G.
Protein change: p.Pro362Arg; replaces proline 362 with arginine.
Molecular consequence: missense variant.
Genome position (GRCh38, 1-based): chr8:18,058,848, G>C on the plus strand (C>G on the coding strand, the complement: ASAH1 is on the minus strand). VCF-style: chr8-18058848-G-C. GRCh37 (hg19) VCF-style: chr8-17916357-G-C.
Other names: c.1067C>G, p.Pro356Arg (NM_001127505.3); c.890C>G, p.Pro297Arg (NM_001363743.2); c.1133C>G, p.Pro378Arg (NM_004315.6); short protein forms P362R, P378R, P297R, P356R.
Identifiers: ClinVar variation 812498 (VCV000812498.6), dbSNP rs1588973237, ClinGen allele CA370426988.

ClinVar aggregate classification (germline): Pathogenic/Likely pathogenic. Review status: criteria provided, multiple submitters, no conflicts (2 of 4 stars). 2 submissions from 2 submitters: Pathogenic (1); Likely pathogenic (1). Last evaluated 2023-11-01.

Conditions:
Farber lipogranulomatosis (FRBRL). Also called: AC DEFICIENCY; ACID CERAMIDASE DEFICIENCY; CERAMIDASE DEFICIENCY; N-LAURYLSPHINGOSINE DEACYLASE DEFICIENCY; Farber's lipogranulomatosis; Farber's disease. Identifiers: Orphanet 333, MedGen C0268255, MONDO:0009218, OMIM 228000.

gnomAD v4.1: 1 of 1,612,138 alleles (0.000062%); highest among the groups gnomAD compares: Non-Finnish European, 0.000085%; no homozygotes.

Submissions (2):

Labcorp Genetics (formerly Invitae), Labcorp
Classification: Likely pathogenic. Last evaluated: 2023-11-01. Review status: criteria provided, single submitter. Criteria: Invitae Variant Classification Sherloc (09022015). Collection method: clinical testing. Allele origin: germline.
Comment: This sequence change replaces proline, which is neutral and non-polar, with arginine, which is basic and polar, at codon 362 of the ASAH1 protein (p.Pro362Arg). This variant is not present in population databases (gnomAD no frequency). This missense change has been observed in individual(s) with clinical features of Farber disease (PMID: 10610716, 24164096, 32449975). ClinVar contains an entry for this variant (Variation ID: 812498). Advanced modeling of protein sequence and biophysical properties (such as structural, functional, and spatial information, amino acid conservation, physicochemical variation, residue mobility, and thermodynamic stability) performed at Invitae indicates that this missense variant is expected to disrupt ASAH1 protein function with a positive predictive value of 80%. Experimental studies have shown that this missense change affects ASAH1 function (PMID: 10610716, 23681708, 29379059). This variant disrupts the p.Pro362 amino acid residue in ASAH1. Other variant(s) that disrupt this residue have been observed in individuals with ASAH1-related conditions (PMID: 24355074), which suggests that this may be a clinically significant amino acid residue. In summary, the currently available evidence indicates that the variant is pathogenic, but additional data are needed to prove that conclusively. Therefore, this variant has been classified as Likely Pathogenic.

Medical Affairs, Dicerna Pharmaceuticals
Classification: Pathogenic for Farber lipogranulomatosis. Last evaluated: 2019-06-19. Review status: criteria provided, single submitter. Criteria: ACMG Guidelines, 2015. Collection method: literature only. Allele origin: unknown, inherited. Inheritance: Autosomal recessive inheritance. Affected: yes. Observed: 2 variant alleles.
Comment: Variant c.1085C>G is pathogenic given the following rationale. There are 2 unrelated patients who have been diagnosed with Farber disease as defined by Gene Reviews who carry variant c.1085C>G. The first patient was described by Li et al., 1999, DOI: 10.1006/geno.1999.5940. Homozygous c.1085C>G variants were identified in the ASAH1 gene in this patient and acid ceramidase activity of <5% was confirmed through FLAG-tagged human AC cDNA expression in COS-1 cells. The second patient described by Dyment et al., 2014, doi: 10.1111/cge.12307, was diagnosed with Farber disease. Compound heterozygous for variants in the ASAH1 gene, c.648+1G>C and c.1085C>G, were revealed through genetic analysis. In this patient, immunoblot of acid ceramidase demonstrated negligable alpha-subunit was present. The Farber disease phenotype and functional testing in both studies indicate this variant is pathogenic resulting in the Farber disease phenotype.

Literature cited by the submitters: PubMed 10610716 (cited by Labcorp Genetics (formerly Invitae), Labcorp); PubMed 24164096 (cited by Labcorp Genetics (formerly Invitae), Labcorp); PubMed 32449975 (cited by Labcorp Genetics (formerly Invitae), Labcorp); PubMed 23681708 (cited by Labcorp Genetics (formerly Invitae), Labcorp); PubMed 29379059 (cited by Labcorp Genetics (formerly Invitae), Labcorp); PubMed 24355074 (cited by Labcorp Genetics (formerly Invitae), Labcorp); DOI 10.1006/geno.1999.5940 (cited by Medical Affairs, Dicerna Pharmaceuticals).